The following is an entry in ClinVar:

ClinVar aggregate classification (germline): Uncertain significance. Review status: criteria provided, multiple submitters, no conflicts (2 of 4 stars). 2 submissions from 2 submitters: Uncertain significance (2). Last evaluated 2024-04-15.

Conditions:
Hereditary cancer-predisposing syndrome. Also called: Hereditary neoplastic syndrome; Hereditary Cancer Syndrome; Neoplastic Syndromes, Hereditary; Tumor predisposition. Identifiers: Orphanet 140162, MedGen C0027672, MeSH D009386, MONDO:0015356.

Allele frequency attached by ClinVar (database versions not stated): gnomAD exomes 0.00001; TOPMed 0.00002; gnomAD 0.00003.
gnomAD v4.1: 20 of 1,612,980 alleles (0.0012%); highest among the groups gnomAD compares: Non-Finnish European, 0.0017%; no homozygotes.

Submissions (2):

Ambry Genetics
Classification: Uncertain significance for Hereditary cancer-predisposing syndrome. Last evaluated: 2024-04-15. Review status: criteria provided, single submitter. Criteria: Ambry Variant Classification Scheme 2023. Collection method: clinical testing. Allele origin: germline.
Comment: The p.D631N variant (also known as c.1891G>A), located in coding exon 12 of the RAD50 gene, results from a G to A substitution at nucleotide position 1891. The aspartic acid at codon 631 is replaced by asparagine, an amino acid with highly similar properties. This amino acid position is not well conserved in available vertebrate species, with asparagine as the reference amino acid in several species. In addition, this alteration is predicted to be tolerated by in silico analysis. Since supporting evidence is limited at this time, the clinical significance of this alteration remains unclear.

Labcorp Genetics (formerly Invitae), Labcorp
Classification: Uncertain significance for Hereditary cancer-predisposing syndrome. Last evaluated: 2024-01-02. Review status: criteria provided, single submitter. Criteria: Invitae Variant Classification Sherloc (09022015). Collection method: clinical testing. Allele origin: germline.
Comment: This sequence change replaces aspartic acid, which is acidic and polar, with asparagine, which is neutral and polar, at codon 631 of the RAD50 protein (p.Asp631Asn). This variant is present in population databases (no rsID available, gnomAD 0.004%). This variant has not been reported in the literature in individuals affected with RAD50-related conditions. ClinVar contains an entry for this variant (Variation ID: 230190). Advanced modeling of protein sequence and biophysical properties (such as structural, functional, and spatial information, amino acid conservation, physicochemical variation, residue mobility, and thermodynamic stability) performed at Invitae indicates that this missense variant is not expected to disrupt RAD50 protein function with a negative predictive value of 80%. In summary, the available evidence is currently insufficient to determine the role of this variant in disease. Therefore, it has been classified as a Variant of Uncertain Significance.

NM_005732.4(RAD50):c.1891G>A (p.Asp631Asn)

Gene: RAD50 (RAD50 double strand break repair protein; plus strand). Cytogenetic location: 5q31.1.
Variant type: single nucleotide variant.
Coding change: c.1891G>A on transcript NM_005732.4 (MANE Select); coding-DNA position 1891, G replaced by A.
Protein change: p.Asp631Asn; replaces aspartic acid 631 with asparagine.
Molecular consequence: missense variant.
Genome position (GRCh38, 1-based): chr5:132,594,966, G>A. VCF-style: chr5-132594966-G-A. GRCh37 (hg19) VCF-style: chr5-131930658-G-A.
Other names: short protein forms D631N.
Identifiers: ClinVar variation 230190 (VCV000230190.15), dbSNP rs876658437, ClinGen allele CA10578542.